The following is an entry in ClinVar:

NM_000138.5(FBN1):c.6579G>A (p.Glu2193=)

Gene: FBN1 (fibrillin 1; minus strand). Cytogenetic location: 15q21.1.
Variant type: single nucleotide variant.
Coding change: c.6579G>A on transcript NM_000138.5 (MANE Select); coding-DNA position 6579, G replaced by A.
Protein change: p.Glu2193=; no amino-acid change (glutamic acid 2193 retained).
Molecular consequence: synonymous variant.
Genome position (GRCh38, 1-based): chr15:48,434,631, C>T on the plus strand (G>A on the coding strand, the complement: FBN1 is on the minus strand). VCF-style: chr15-48434631-C-T. GRCh37 (hg19) VCF-style: chr15-48726828-C-T.
Other names: c.6579G>A, p.Glu2193= (NM_001406716.1).
Identifiers: ClinVar variation 3386768 (VCV003386768.1).
Genomic context (GRCh38, chr15:48,434,631, plus strand): 5'-TGTTCTCTGTTTAAGAGATGTACCTTCACATGTCATCATTGGACCGGGCTCAAATCCCTC[C>T]TCGCAGGTGCATTCAAAACCTCCAATCACATTCTTGCAGGTTCCATTTCCACAAGGATTG-3'
Protein context (NP_000129.3, residues 2183-2203): NVIGGFECTC[Glu2193=]EGFEPGPMMT

ClinVar aggregate classification (germline): Likely benign (1 of 4 stars; one submission).

Conditions:
Marfan syndrome (MFS). Also called: MARFAN SYNDROME, TYPE I; Marfan syndrome type 1; Marfan's syndrome; FBN1-Related Marfan Syndrome; Marfan syndrome, classic. Identifiers: Orphanet 284963, Orphanet 558, MedGen C0024796, MONDO:0007947, OMIM 154700.

Submission:

All of Us Research Program, National Institutes of Health
Classification: Likely benign for Marfan syndrome. Last evaluated: 2024-07-29. Review status: criteria provided, single submitter. Criteria: ACMG Guidelines, 2015. Collection method: clinical testing. Allele origin: germline. Inheritance: Autosomal dominant inheritance. Observed: 1 variant allele, 1 heterozygote.
Comment: This study involves interpretation of variants in research participants for the purpose of population health screening. Participant phenotype was not available at the time of variant classification. Additional details can be found in publication PMID: 35346344, PMCID: PMC8962531